The following is an entry in ClinVar:

ClinVar aggregate classification (germline): Uncertain significance. Review status: criteria provided, multiple submitters, no conflicts (2 of 4 stars). 2 submissions from 2 submitters: Uncertain significance (2). Last evaluated 2025-09-01.

Conditions:
Inborn genetic diseases. Identifiers: MedGen C0950123, MeSH D030342.
Mucolipidosis type IV (ML4). Also called: ML IV. Identifiers: Orphanet 578, MedGen C0238286, MONDO:0009653, OMIM 252650.

Allele frequency attached by ClinVar (database versions not stated): ExAC 0.00008.
gnomAD v4.1: 73 of 1,612,456 alleles (0.0045%); highest among the groups gnomAD compares: Middle Eastern, 0.082%; no homozygotes.

Submissions (2):

Ambry Genetics
Classification: Uncertain significance for Inborn genetic diseases. Last evaluated: 2025-09-01. Review status: criteria provided, single submitter. Criteria: Ambry Variant Classification Scheme 2023. Collection method: clinical testing. Allele origin: germline.

Labcorp Genetics (formerly Invitae), Labcorp
Classification: Uncertain significance for Mucolipidosis type IV. Last evaluated: 2022-03-17. Review status: criteria provided, single submitter. Criteria: Invitae Variant Classification Sherloc (09022015). Collection method: clinical testing. Allele origin: germline.
Comment: This sequence change replaces proline, which is neutral and non-polar, with histidine, which is basic and polar, at codon 205 of the MCOLN1 protein (p.Pro205His). This variant is present in population databases (rs748095297, gnomAD 0.009%). This variant has not been reported in the literature in individuals affected with MCOLN1-related conditions. Algorithms developed to predict the effect of missense changes on protein structure and function are either unavailable or do not agree on the potential impact of this missense change (SIFT: "Deleterious"; PolyPhen-2: "Probably Damaging"; Align-GVGD: "Class C0"). In summary, the available evidence is currently insufficient to determine the role of this variant in disease. Therefore, it has been classified as a Variant of Uncertain Significance.

NM_020533.3(MCOLN1):c.614C>A (p.Pro205His)

Gene: MCOLN1 (mucolipin TRP cation channel 1; plus strand). Cytogenetic location: 19p13.2.
Variant type: single nucleotide variant.
Coding change: c.614C>A on transcript NM_020533.3 (MANE Select); coding-DNA position 614, C replaced by A.
Protein change: p.Pro205His; replaces proline 205 with histidine.
Molecular consequence: missense variant.
Genome position (GRCh38, 1-based): chr19:7,527,562, C>A. VCF-style: chr19-7527562-C-A. GRCh37 (hg19) VCF-style: chr19-7592448-C-A.
Other names: short protein forms P205H.
Identifiers: ClinVar variation 1751870 (VCV001751870.5), dbSNP rs748095297, ClinGen allele CA9138803.